The following is an entry in ClinVar:

NM_000492.4(CFTR):c.2703C>T (p.Asn901=)

Gene: CFTR (CF transmembrane conductance regulator; plus strand). Cytogenetic location: 7q31.2.
Variant type: single nucleotide variant.
Coding change: c.2703C>T on transcript NM_000492.4 (MANE Select); coding-DNA position 2703, C replaced by T.
Protein change: p.Asn901=; no amino-acid change (asparagine 901 retained).
Molecular consequence: synonymous variant.
Genome position (GRCh38, 1-based): chr7:117,603,577, C>T. VCF-style: chr7-117603577-C-T. GRCh37 (hg19) VCF-style: chr7-117243631-C-T.
Identifiers: ClinVar variation 928747 (VCV000928747.14), dbSNP rs764201518, ClinGen allele CA4451276.
Genomic context (GRCh38, chr7:117,603,577, plus strand): 5'-CTATTTGCTTTACAGCACTCCTCTTCAAGACAAAGGGAATAGTACTCATAGTAGAAATAA[C>T]AGCTATGCAGTGATTATCACCAGCACCAGTTCGTATTATGTGTTTTACATTTACGTGGGA-3'
Protein context (NP_000483.3, residues 891-911): DKGNSTHSRN[Asn901=]SYAVIITSTS

ClinVar aggregate classification (germline): Likely benign. Review status: criteria provided, multiple submitters, no conflicts (2 of 4 stars). 6 submissions from 6 submitters: Likely benign (5). 1 of the submissions does not count toward it. Last evaluated 2026-04-22.

Conditions:
Cystic fibrosis (CF). Also called: MUCOVISCIDOSIS. Identifiers: Orphanet 586, MedGen C0010674, MONDO:0009061, OMIM 219700. Disease mechanism: loss of function.
CFTR-related disorder (CFTR-RD). Also called: CFTR-related disorders; CFTR-related condition. Identifiers: MedGen C5924204, MONDO:7770004.

Allele frequency attached by ClinVar (database versions not stated): ExAC 0.00002; gnomAD exomes 0.00003 and 0.00001.
gnomAD v4.1: 21 of 1,613,862 alleles (0.0013%); highest among the groups gnomAD compares: South Asian, 0.02%; no homozygotes.

Submissions (6):

PreventionGenetics, part of Exact Sciences
Classification: Likely benign for CFTR-related condition. Last evaluated: 2026-04-22. Review status: criteria provided, single submitter. Criteria: ACMG Guidelines, 2015. Collection method: clinical testing. Allele origin: germline.
Comment: This variant is classified as likely benign based on ACMG/AMP sequence variant interpretation guidelines (Richards et al. 2015 PMID: 25741868, with internal and published modifications).

Labcorp Genetics (formerly Invitae), Labcorp
Classification: Likely benign for Cystic fibrosis. Last evaluated: 2026-01-20. Review status: criteria provided, single submitter. Criteria: Invitae Variant Classification Sherloc (09022015). Collection method: clinical testing. Allele origin: germline.

Blueprint Genetics
Classification: Likely benign. Last evaluated: 2021-09-29. Review status: criteria provided, single submitter. Criteria: ACMG Guidelines, 2015. Collection method: clinical testing. Allele origin: germline.

Women's Health and Genetics/Laboratory Corporation of America, LabCorp
Classification: Likely benign. Last evaluated: 2019-07-01. Review status: criteria provided, single submitter. Criteria: LabCorp Variant Classification Summary - May 2015. Collection method: clinical testing. Allele origin: germline.

Ambry Genetics
Classification: Likely benign for Cystic fibrosis. Last evaluated: 2018-07-26. Review status: criteria provided, single submitter. Criteria: Ambry Variant Classification Scheme 2023. Collection method: clinical testing. Allele origin: germline.

Natera, Inc.
Classification: Likely benign for CFTR-related disorders. Last evaluated: 2021-02-10. Review status: no assertion criteria provided. Collection method: clinical testing. Allele origin: germline. Not counted in ClinVar's aggregate classification.